The following is an entry in ClinVar:

NM_000146.4(FTL):c.-173C>G

Gene: FTL (ferritin light chain; plus strand). Cytogenetic location: 19q13.33.
Variant type: single nucleotide variant.
Coding change: c.-173C>G on transcript NM_000146.4 (MANE Select); 173 bases upstream of the start codon, C replaced by G.
Molecular consequence: 5 prime UTR variant.
Genome position (GRCh38, 1-based): chr19:48,965,335, C>G. VCF-style: chr19-48965335-C-G. GRCh37 (hg19) VCF-style: chr19-49468592-C-G.
Identifiers: ClinVar variation 894090 (VCV000894090.7), dbSNP rs1053572388, ClinGen allele CA309374940.

ClinVar aggregate classification (germline): Uncertain significance. Review status: criteria provided, multiple submitters, no conflicts (2 of 4 stars). 3 submissions from 2 submitters: Uncertain significance (3). Last evaluated 2024-10-22.

Conditions:
Hereditary hyperferritinemia with congenital cataracts. Also called: Hereditary hyperferritinemia cataract syndrome; Bonneau-Beaumont syndrome; HYPERFERRITINEMIA WITH OR WITHOUT CATARACT. Identifiers: Orphanet 163, MedGen C1833213, MONDO:0010952, OMIM 600886.
Neuroferritinopathy (NBIA3). Also called: NEURODEGENERATION WITH BRAIN IRON ACCUMULATION 3; BASAL GANGLIA DISEASE, ADULT-ONSET. Identifiers: Orphanet 157846, MedGen C1853578, MONDO:0011638, OMIM 606159.

Allele frequency attached by ClinVar (database versions not stated): gnomAD exomes below 0.00001.
gnomAD v4.1: 2 of 663,130 alleles (0.0003%); highest among the groups gnomAD compares: Non-Finnish European, 0.00055%; no homozygotes.

Submissions (3):

Labcorp Genetics (formerly Invitae), Labcorp
Classification: Uncertain significance for Neuroferritinopathy; Hereditary hyperferritinemia with congenital cataracts. Last evaluated: 2024-10-22. Review status: criteria provided, single submitter. Criteria: Invitae Variant Classification Sherloc (09022015). Collection method: clinical testing. Allele origin: germline.
Comment: This variant occurs in a non-coding region of the FTL gene. It does not change the encoded amino acid sequence of the FTL protein. This variant is not present in population databases (gnomAD no frequency). This variant has not been reported in the literature in individuals affected with FTL-related conditions. ClinVar contains an entry for this variant (Variation ID: 894090). Experimental studies and prediction algorithms are not available or were not evaluated, and the functional significance of this variant is currently unknown. In summary, the available evidence is currently insufficient to determine the role of this variant in disease. Therefore, it has been classified as a Variant of Uncertain Significance.

Illumina Laboratory Services, Illumina
Classification: Uncertain significance for Neuroferritinopathy. Last evaluated: 2017-04-28. Review status: criteria provided, single submitter. Criteria: ICSL Variant Classification Criteria 13 December 2019. Collection method: clinical testing. Allele origin: germline.

Illumina Laboratory Services, Illumina
Classification: Uncertain significance for Hereditary hyperferritinemia with congenital cataracts. Last evaluated: 2017-04-28. Review status: criteria provided, single submitter. Criteria: ICSL Variant Classification Criteria 13 December 2019. Collection method: clinical testing. Allele origin: germline.